The following is an entry in ClinVar:

NM_173354.5(SIK1):c.1172C>G (p.Pro391Arg)

Gene: SIK1 (salt inducible kinase 1; minus strand). Cytogenetic location: 21q22.3.
Variant type: single nucleotide variant.
Coding change: c.1172C>G on transcript NM_173354.5 (MANE Select); coding-DNA position 1172, C replaced by G.
Protein change: p.Pro391Arg; replaces proline 391 with arginine.
Molecular consequence: missense variant.
Genome position (GRCh38, 1-based): chr21:43,419,426, G>C on the plus strand (C>G on the coding strand, the complement: SIK1 is on the minus strand). VCF-style: chr21-43419426-G-C. GRCh37 (hg19) VCF-style: chr21-44839306-G-C.
Other names: short protein forms P391R.
Identifiers: ClinVar variation 1721870 (VCV001721870.6), dbSNP rs757476600, ClinGen allele CA410608580.
Genomic context (GRCh38, chr21:43,419,426, plus strand): 5'-CTCTGGAGCTCACAGTCCATCTCGGCCTGGAGGACGGACTGCACCAAGGTCTGCGGCTGC[G>C]GGCACAGCAAGGCAGGTCGGAAAGGGTCGGTGGAAAGACCTTCCTGAGGCACCTGGGGCC-3'
Protein context (NP_775490.2, residues 381-401): TDPFRPALLC[Pro391Arg]QPQTLVQSVL

ClinVar aggregate classification (germline): Uncertain significance (1 of 4 stars; one submission).

Conditions:
Developmental and epileptic encephalopathy, 30 (DEE30). Also called: Epileptic encephalopathy, early infantile, 30. Identifiers: MedGen C4225360, MONDO:0014595, OMIM 616341.

Submission:

Labcorp Genetics (formerly Invitae), Labcorp
Classification: Uncertain significance for Developmental and epileptic encephalopathy, 30. Last evaluated: 2022-10-19. Review status: criteria provided, single submitter. Criteria: Invitae Variant Classification Sherloc (09022015). Collection method: clinical testing. Allele origin: germline.
Comment: In summary, the available evidence is currently insufficient to determine the role of this variant in disease. Therefore, it has been classified as a Variant of Uncertain Significance. Algorithms developed to predict the effect of sequence changes on RNA splicing suggest that this variant may disrupt the consensus splice site. Advanced modeling of protein sequence and biophysical properties (such as structural, functional, and spatial information, amino acid conservation, physicochemical variation, residue mobility, and thermodynamic stability) performed at Invitae indicates that this missense variant is not expected to disrupt SIK1 protein function. This variant has not been reported in the literature in individuals affected with SIK1-related conditions. This variant is not present in population databases (gnomAD no frequency). This sequence change replaces proline, which is neutral and non-polar, with arginine, which is basic and polar, at codon 391 of the SIK1 protein (p.Pro391Arg).